The following is an entry in ClinVar:

ClinVar aggregate classification (germline): Uncertain significance. Review status: criteria provided, multiple submitters, no conflicts (2 of 4 stars). 2 submissions from 2 submitters: Uncertain significance (2). Last evaluated 2025-07-30.

gnomAD v4.1: 103 of 1,502,038 alleles (0.0069%); highest among the groups gnomAD compares: Non-Finnish European, 0.0088%; no homozygotes.

Submissions (2):

Labcorp Genetics (formerly Invitae), Labcorp
Classification: Uncertain significance. Last evaluated: 2025-07-30. Review status: criteria provided, single submitter. Criteria: Invitae Variant Classification Sherloc (09022015). Collection method: clinical testing. Allele origin: germline.
Comment: This sequence change replaces alanine, which is neutral and non-polar, with glycine, which is neutral and non-polar, at codon 195 of the LEMD2 protein (p.Ala195Gly). This variant is present in population databases (no rsID available, gnomAD 0.002%). This variant has not been reported in the literature in individuals affected with LEMD2-related conditions. ClinVar contains an entry for this variant (Variation ID: 3290451). An algorithm developed to predict the effect of missense changes on protein structure and function (PolyPhen-2) suggests that this variant is likely to be tolerated. In summary, the available evidence is currently insufficient to determine the role of this variant in disease. Therefore, it has been classified as a Variant of Uncertain Significance.

Ambry Genetics
Classification: Uncertain significance. Last evaluated: 2024-05-07. Review status: criteria provided, single submitter. Criteria: Ambry Variant Classification Scheme 2023. Collection method: clinical testing. Allele origin: germline.

NM_181336.4(LEMD2):c.584C>G (p.Ala195Gly)

Gene: LEMD2 (LEM domain nuclear envelope protein 2; minus strand). Cytogenetic location: 6p21.31.
Variant type: single nucleotide variant.
Coding change: c.584C>G on transcript NM_181336.4 (MANE Select); coding-DNA position 584, C replaced by G.
Protein change: p.Ala195Gly; replaces alanine 195 with glycine.
Molecular consequence: missense variant. On other transcripts: intron variant (2).
Genome position (GRCh38, 1-based): chr6:33,788,533, G>C on the plus strand (C>G on the coding strand, the complement: LEMD2 is on the minus strand). VCF-style: chr6-33788533-G-C. GRCh37 (hg19) VCF-style: chr6-33756310-G-C.
Other names: c.342+242C>G (NM_001348710.2); c.-171+242C>G (NM_001348709.2); short protein forms A195G.
Identifiers: ClinVar variation 3290451 (VCV003290451.2).